The following is an entry in ClinVar:

NM_000553.6(WRN):c.3848C>T (p.Pro1283Leu)

Gene: WRN (WRN RecQ like helicase; plus strand). Cytogenetic location: 8p12.
Variant type: single nucleotide variant.
Coding change: c.3848C>T on transcript NM_000553.6 (MANE Select); coding-DNA position 3848, C replaced by T.
Protein change: p.Pro1283Leu; replaces proline 1283 with leucine.
Molecular consequence: missense variant.
Genome position (GRCh38, 1-based): chr8:31,157,396, C>T. VCF-style: chr8-31157396-C-T. GRCh37 (hg19) VCF-style: chr8-31014912-C-T.
Other names: short protein forms P1283L.
Identifiers: ClinVar variation 2730813 (VCV002730813.3), dbSNP rs2536061478, ClinGen allele CA370929335.

ClinVar aggregate classification (germline): Uncertain significance (1 of 4 stars; one submission).

Conditions:
Werner syndrome (WRN). Identifiers: Orphanet 902, MedGen C0043119, MONDO:0010196, OMIM 277700.

gnomAD v4.1: 1 of 1,614,058 alleles (0.000062%); no homozygotes.

Submission:

Labcorp Genetics (formerly Invitae), Labcorp
Classification: Uncertain significance for Werner syndrome. Last evaluated: 2023-04-04. Review status: criteria provided, single submitter. Criteria: Invitae Variant Classification Sherloc (09022015). Collection method: clinical testing. Allele origin: germline.
Comment: In summary, the available evidence is currently insufficient to determine the role of this variant in disease. Therefore, it has been classified as a Variant of Uncertain Significance. An algorithm developed to predict the effect of missense changes on protein structure and function (PolyPhen-2) suggests that this variant is likely to be disruptive. This variant has not been reported in the literature in individuals affected with WRN-related conditions. This variant is not present in population databases (gnomAD no frequency). This sequence change replaces proline, which is neutral and non-polar, with leucine, which is neutral and non-polar, at codon 1283 of the WRN protein (p.Pro1283Leu).